The following is an entry in ClinVar:

NM_176824.3(BBS7):c.214G>A (p.Gly72Arg)

Gene: BBS7 (Bardet-Biedl syndrome 7; minus strand). Cytogenetic location: 4q27.
Variant type: single nucleotide variant.
Coding change: c.214G>A on transcript NM_176824.3 (MANE Select); coding-DNA position 214, G replaced by A.
Protein change: p.Gly72Arg; replaces glycine 72 with arginine.
Molecular consequence: missense variant.
Genome position (GRCh38, 1-based): chr4:121,861,631, C>T on the plus strand (G>A on the coding strand, the complement: BBS7 is on the minus strand). VCF-style: chr4-121861631-C-T. GRCh37 (hg19) VCF-style: chr4-122782786-C-T.
Other names: c.214G>A, p.Gly72Arg (NM_018190.4); c.214G>A (NM_176824.2); short protein forms G72R.
Identifiers: ClinVar variation 2051771 (VCV002051771.5), dbSNP rs572718618, ClinGen allele CA3064553.

ClinVar aggregate classification (germline): Uncertain significance. Review status: criteria provided, single submitter (1 of 4 stars). 2 submissions from 2 submitters: Uncertain significance (1). 1 of the submissions does not count toward it. Last evaluated 2022-10-05.

Conditions:
Bardet-Biedl syndrome (BBS). Identifiers: Orphanet 110, MedGen C0752166, MONDO:0015229.
BBS7-related disorder. Also called: BBS7-related condition.

Allele frequency attached by ClinVar (database versions not stated): TOPMed below 0.00001; gnomAD 0.00002; 1000 Genomes Project 30x 0.00016; 1000 Genomes Project 0.00020.
gnomAD v4.1: 8 of 1,613,504 alleles (0.0005%); highest among the groups gnomAD compares: African/African-American, 0.004%; no homozygotes.

Submissions (2):

Labcorp Genetics (formerly Invitae), Labcorp
Classification: Uncertain significance for Bardet-Biedl syndrome. Last evaluated: 2022-10-05. Review status: criteria provided, single submitter. Criteria: Invitae Variant Classification Sherloc (09022015). Collection method: clinical testing. Allele origin: germline.
Comment: This variant has not been reported in the literature in individuals affected with BBS7-related conditions. This variant is present in population databases (rs572718618, gnomAD 0.007%). This sequence change replaces glycine, which is neutral and non-polar, with arginine, which is basic and polar, at codon 72 of the BBS7 protein (p.Gly72Arg). Advanced modeling of protein sequence and biophysical properties (such as structural, functional, and spatial information, amino acid conservation, physicochemical variation, residue mobility, and thermodynamic stability) performed at Invitae indicates that this missense variant is expected to disrupt BBS7 protein function. In summary, the available evidence is currently insufficient to determine the role of this variant in disease. Therefore, it has been classified as a Variant of Uncertain Significance.

PreventionGenetics, part of Exact Sciences
Classification: Uncertain significance for BBS7-related condition. Last evaluated: 2024-07-22. Review status: no assertion criteria provided. Collection method: clinical testing. Allele origin: germline. Not counted in ClinVar's aggregate classification.
Comment: The BBS7 c.214G>A variant is predicted to result in the amino acid substitution p.Gly72Arg. To our knowledge, this variant has not been reported in the literature. This variant is reported in 0.0062% of alleles in individuals of African descent in gnomAD. At this time, the clinical significance of this variant is uncertain due to the absence of conclusive functional and genetic evidence.